The following is an entry in ClinVar:

ClinVar aggregate classification (germline): Conflicting classifications of pathogenicity. Review status: criteria provided, conflicting classifications (1 of 4 stars). 6 submissions from 6 submitters: Uncertain significance (3); Benign (2); Likely benign (1). Last evaluated 2026-01-09.

Conditions:
Norman-Roberts syndrome (LIS2). Also called: Lissencephaly 2 (Norman-Roberts type). Identifiers: Orphanet 89844, MedGen C0796089, MONDO:0009760, OMIM 257320.
Familial temporal lobe epilepsy 7. Identifiers: Orphanet 101046, MedGen C4225327, MONDO:0014639, OMIM 616436.
Epilepsy, familial temporal lobe, 1. Identifiers: Orphanet 101046, MedGen CN030884, MONDO:0700090, OMIM 600512.

Allele frequency attached by ClinVar (database versions not stated): gnomAD exomes 0.00014; ESP Exome Variant Server 0.00023; gnomAD 0.00025 and 0.00026; TOPMed 0.00021; 1000 Genomes Project 30x 0.00062; ExAC 0.00016; 1000 Genomes Project 0.00040.
gnomAD v4.1: 136 of 1,614,156 alleles (0.0084%); highest among the groups gnomAD compares: African/African-American, 0.1%; 2 homozygotes.

Submissions (6):

Labcorp Genetics (formerly Invitae), Labcorp
Classification: Benign for Familial temporal lobe epilepsy 7; Norman-Roberts syndrome. Last evaluated: 2026-01-09. Review status: criteria provided, single submitter. Criteria: Invitae Variant Classification Sherloc (09022015). Collection method: clinical testing. Allele origin: germline.

CeGaT Center for Human Genetics Tuebingen
Classification: Likely benign. Last evaluated: 2025-03-01. Review status: criteria provided, single submitter. Criteria: CeGaT Center For Human Genetics Tuebingen Variant Classification Criteria Version 2. Collection method: clinical testing. Allele origin: germline. Affected: yes. Observed: 1 variant allele.
Comment: RELN: BP4

Women's Health and Genetics/Laboratory Corporation of America, LabCorp
Classification: Benign. Last evaluated: 2024-11-13. Review status: criteria provided, single submitter. Criteria: LabCorp Variant Classification Summary - May 2015. Collection method: clinical testing. Allele origin: germline.
Comment: Variant summary: RELN c.4337A>G (p.Asn1446Ser) results in a conservative amino acid change in the encoded protein sequence. Three of four in-silico tools predict a benign effect of the variant on protein function. The variant allele was found at a frequency of 8.5e-05 in 1607182 control chromosomes, predominantly at a frequency of 0.001 within the African or African-American subpopulation in the gnomAD database, including 2 homozygotes. The observed variant frequency within African or African-American control individuals in the gnomAD database exceeds the estimated maximal expected allele frequency for a pathogenic variant in RELN causing Epilepsy Familial Temporal Lobe 7 phenotype. To our knowledge, no occurrence of c.4337A>G in individuals affected with Epilepsy Familial Temporal Lobe 7 and no experimental evidence demonstrating its impact on protein function have been reported. ClinVar contains an entry for this variant (Variation ID: 95220). Based on the evidence outlined above, the variant was classified as benign.

Department of Pathology and Laboratory Medicine, Sinai Health System
Classification: Uncertain significance for Norman-Roberts syndrome; Epilepsy, familial temporal lobe, 1; Familial temporal lobe epilepsy 7. Last evaluated: 2021-07-30. Review status: criteria provided, single submitter. Criteria: ACMG Guidelines, 2015. Collection method: research. Allele origin: germline.

Fulgent Genetics
Classification: Uncertain significance for Norman-Roberts syndrome; Epilepsy, familial temporal lobe, 1; Familial temporal lobe epilepsy 7. Last evaluated: 2018-10-31. Review status: criteria provided, single submitter. Criteria: ACMG Guidelines, 2015. Collection method: clinical testing. Allele origin: unknown.

Eurofins Ntd Llc (ga)
Classification: Uncertain significance. Last evaluated: 2013-04-23. Review status: criteria provided, single submitter. Criteria: EGL Classification Definitions 2015. Collection method: clinical testing. Allele origin: germline. Observed: 1 variant allele, 1 heterozygote.

NM_005045.4(RELN):c.4337A>G (p.Asn1446Ser)

Gene: RELN (reelin; minus strand). Cytogenetic location: 7q22.1.
Variant type: single nucleotide variant.
Coding change: c.4337A>G on transcript NM_005045.4 (MANE Select); coding-DNA position 4337, A replaced by G.
Protein change: p.Asn1446Ser; replaces asparagine 1446 with serine.
Molecular consequence: missense variant.
Genome position (GRCh38, 1-based): chr7:103,574,266, T>C on the plus strand (A>G on the coding strand, the complement: RELN is on the minus strand). VCF-style: chr7-103574266-T-C. GRCh37 (hg19) VCF-style: chr7-103214713-T-C.
Other names: c.4337A>G, p.Asn1446Ser (NM_173054.3); short protein forms N1446S.
Identifiers: ClinVar variation 95220 (VCV000095220.25), dbSNP rs115577014, ClinGen allele CA222818.